The following is an entry in ClinVar:

ClinVar aggregate classification (germline): Likely benign (1 of 4 stars; one submission).

gnomAD v4.1: 186 of 1,613,182 alleles (0.012%); highest among the groups gnomAD compares: African/African-American, 0.029%; no homozygotes.

Submission:

CeGaT Center for Human Genetics Tuebingen
Classification: Likely benign. Last evaluated: 2025-11-01. Review status: criteria provided, single submitter. Criteria: CeGaT Center For Human Genetics Tuebingen Variant Classification Criteria Version 2. Collection method: clinical testing. Allele origin: germline. Affected: yes. Observed: 1 variant allele.
Comment: CUX1: BP4, BS2

NM_001913.5(CUX1):c.2008G>A (p.Gly670Arg)

Gene: CUX1 (cut like homeobox 1; plus strand). Cytogenetic location: 7q22.1.
Variant type: single nucleotide variant.
Coding change: c.2008G>A on transcript NM_001913.5 (MANE Plus Clinical); coding-DNA position 2008, G replaced by A.
Protein change: p.Gly670Arg; replaces glycine 670 with arginine.
Molecular consequence: missense variant.
Genome position (GRCh38, 1-based): chr7:102,283,061, G>A. VCF-style: chr7-102283061-G-A. GRCh37 (hg19) VCF-style: chr7-101926353-G-A.
Other names: c.1960G>A, p.Gly654Arg (NM_001202544.3); c.1870G>A, p.Gly624Arg (NM_001202545.3); c.1891G>A, p.Gly631Arg (NM_001202546.3); c.2002G>A, p.Gly668Arg (NM_181500.4); short protein forms G624R, G631R, G654R, G668R, G670R.
Identifiers: ClinVar variation 4533630 (VCV004533630.6).
Genomic context (GRCh38, chr7:102,283,061, plus strand): 5'-AAGCTTCCCGTGTCCCCCAGGTTCGCTGACCACCTGCACAAGTTCCACGAGAATGACAAC[G>A]GGGCTGCGGCTGGTGACTTGTGGCAGTGATACCCCGGGGCCTCCCCCGTGACAGTGACGG-3'
Protein context (NP_001904.2, residues 660-678): HLHKFHENDN[Gly670Arg]AAAGDLWQ